The following is an entry in ClinVar:

NM_000264.5(PTCH1):c.554_584+1dup

Gene: PTCH1 (patched 1; minus strand). Cytogenetic location: 9q22.32.
Variant type: Duplication.
Coding change: c.554_584+1dup on transcript NM_000264.5 (MANE Select); coding-DNA position 554 through the canonical splice donor site of the intron after coding-DNA position 584, 32 bases duplicated.
Molecular consequence: splice donor variant.
Genome position (GRCh38, 1-based): chr9:95,485,684-95,485,715, 32 bases duplicated; duplicating any 32 consecutive bases within chr9:95,485,684-95,485,719 gives the same sequence; the c. name uses the placement nearest the transcript's 3' end. GRCh37 (hg19): chr9:98,247,970-98,248,001.
Other names: c.551_581+1dup (NM_001083603.3); c.356_386+1dup (NM_001083602.3, NM_001354919.2); c.554_584+1dup (NM_001354918.2); c.101_131+1dup (NM_001083605.3, NM_001083604.3, NM_001083606.3 and 1 more transcripts).
Identifiers: ClinVar variation 1069765 (VCV001069765.10), dbSNP rs2118537234, ClinGen allele CA2499220087.
Genomic context (GRCh38, chr9:95,485,683, plus strand): 5'-CAGCAGCCTTCTCCCACCGCCTTACCTGCTGCTCATTAGTAGGTGGACGCGGCGGGCCTT[A>ACCTGTTGTACATGTATACATGGACACGGCTGG]CCTGTTGTACATGTATACATGGACACGGCTGGCCTGGAGTGCCGAGTCCAGGTGTTGTAG-3'

ClinVar aggregate classification (germline): Pathogenic (1 of 4 stars; one submission).

Conditions:
Gorlin syndrome. Also called: Nevoid Basal Cell Carcinoma Syndrome; Basal cell nevus syndrome. Identifiers: Orphanet 377, MedGen C0004779, MONDO:0007187.

Submission:

Labcorp Genetics (formerly Invitae), Labcorp
Classification: Pathogenic for Gorlin syndrome. Last evaluated: 2020-02-21. Review status: criteria provided, single submitter. Criteria: Invitae Variant Classification Sherloc (09022015). Collection method: clinical testing. Allele origin: germline.
Comment: This sequence change creates a premature translational stop signal (p.Gln196Profs*35) in the PTCH1 gene. It is expected to result in an absent or disrupted protein product. This variant is not present in population databases (ExAC no frequency). This variant has not been reported in the literature in individuals with PTCH1-related conditions. Algorithms developed to predict the effect of sequence changes on RNA splicing suggest that this variant may create or strengthen a splice site, but this prediction has not been confirmed by published transcriptional studies. Loss-of-function variants in PTCH1 are known to be pathogenic (PMID: 16301862, 16419085). For these reasons, this variant has been classified as Pathogenic.

Literature cited by the submitters: PubMed 16301862; PubMed 16419085.